The following is an entry in ClinVar:

ClinVar aggregate classification (germline): Uncertain significance (1 of 4 stars; one submission).

Submission:

Labcorp Genetics (formerly Invitae), Labcorp
Classification: Uncertain significance. Last evaluated: 2022-10-17. Review status: criteria provided, single submitter. Criteria: Invitae Variant Classification Sherloc (09022015). Collection method: clinical testing. Allele origin: germline.
Comment: This sequence change falls in intron 9 of the FAR1 gene. It does not directly change the encoded amino acid sequence of the FAR1 protein. It affects a nucleotide within the consensus splice site. This variant is not present in population databases (gnomAD no frequency). In summary, the available evidence is currently insufficient to determine the role of this variant in disease. Therefore, it has been classified as a Variant of Uncertain Significance. Variants that disrupt the consensus splice site are a relatively common cause of aberrant splicing (PMID: 17576681, 9536098). Algorithms developed to predict the effect of sequence changes on RNA splicing suggest that this variant is not likely to affect RNA splicing. This variant has not been reported in the literature in individuals affected with FAR1-related conditions.

Literature cited by the submitters: PubMed 17576681; PubMed 9536098.

NM_032228.6(FAR1):c.1127+4A>T

Gene: FAR1 (fatty acyl-CoA reductase 1; plus strand). Cytogenetic location: 11p15.3.
Variant type: single nucleotide variant.
Coding change: c.1127+4A>T on transcript NM_032228.6 (MANE Select); 4 bases into the intron after coding-DNA position 1127, A replaced by T.
Molecular consequence: intron variant.
Genome position (GRCh38, 1-based): chr11:13,714,684, A>T. VCF-style: chr11-13714684-A-T. GRCh37 (hg19) VCF-style: chr11-13736231-A-T.
Identifiers: ClinVar variation 2097450 (VCV002097450.4), dbSNP rs2500139978, ClinGen allele CA2580082835.
Genomic context (GRCh38, chr11:13,714,684, plus strand): 5'-TAAGGCCCCAGCATTCCTGTATGATATCTACCTCAGGATGACTGGAAGAAGCCCAAGGTA[A>T]TGGTGACTAGCTCTGTCTTATCTGTTCCTCTGTTAAACAACCCATGCTTACACTAAAATG-3'